The following is an entry in ClinVar:

ClinVar aggregate classification (germline): Uncertain significance (1 of 4 stars; one submission).

Conditions:
Spastic paraplegia. Identifiers: MedGen C0037772, HP:0001258.

Allele frequency attached by ClinVar (database versions not stated): gnomAD exomes 0.00001 and 0.00002; TOPMed 0.00001.
gnomAD v4.1: 28 of 1,613,992 alleles (0.0017%); highest among the groups gnomAD compares: African/African-American, 0.0027%; 1 homozygote.

Submission:

Labcorp Genetics (formerly Invitae), Labcorp
Classification: Uncertain significance for Spastic paraplegia. Last evaluated: 2022-08-10. Review status: criteria provided, single submitter. Criteria: Invitae Variant Classification Sherloc (09022015). Collection method: clinical testing. Allele origin: germline.
Comment: In summary, the available evidence is currently insufficient to determine the role of this variant in disease. Therefore, it has been classified as a Variant of Uncertain Significance. Algorithms developed to predict the effect of missense changes on protein structure and function are either unavailable or do not agree on the potential impact of this missense change (SIFT: "Deleterious"; PolyPhen-2: "Possibly Damaging"; Align-GVGD: "Class C15"). ClinVar contains an entry for this variant (Variation ID: 1008847). This variant has not been reported in the literature in individuals affected with ARSI-related conditions. This variant is present in population databases (no rsID available, gnomAD 0.003%). This sequence change replaces glutamic acid, which is acidic and polar, with lysine, which is basic and polar, at codon 195 of the ARSI protein (p.Glu195Lys).

NM_001012301.4(ARSI):c.583G>A (p.Glu195Lys)

Gene: ARSI (arylsulfatase family member I; minus strand). Cytogenetic location: 5q32.
Variant type: single nucleotide variant.
Coding change: c.583G>A on transcript NM_001012301.4 (MANE Select); coding-DNA position 583, G replaced by A.
Protein change: p.Glu195Lys; replaces glutamic acid 195 with lysine.
Molecular consequence: missense variant.
Genome position (GRCh38, 1-based): chr5:150,298,341, C>T on the plus strand (G>A on the coding strand, the complement: ARSI is on the minus strand). VCF-style: chr5-150298341-C-T. GRCh37 (hg19) VCF-style: chr5-149677904-C-T.
Other names: short protein forms E195K.
Identifiers: ClinVar variation 1008847 (VCV001008847.8), dbSNP rs1036095892, ClinGen allele CA361733544.